The following is an entry in ClinVar:

ClinVar aggregate classification (germline): Conflicting classifications of pathogenicity. Review status: criteria provided, conflicting classifications (1 of 4 stars). 5 submissions from 5 submitters: Uncertain significance (3); Likely benign (2). Last evaluated 2025-10-15.

Conditions:
Inborn genetic diseases. Identifiers: MedGen C0950123, MeSH D030342.

Allele frequency attached by ClinVar (database versions not stated): 1000 Genomes Project 30x 0.00016; ExAC 0.00017; TOPMed 0.00017; gnomAD exomes 0.00018 and 0.00046; 1000 Genomes Project 0.00020; gnomAD 0.00020 and 0.00021; ESP Exome Variant Server 0.00038.
gnomAD v4.1: 689 of 1,614,224 alleles (0.043%); highest among the groups gnomAD compares: Non-Finnish European, 0.054%; no homozygotes.

Submissions (5):

Women's Health and Genetics/Laboratory Corporation of America, LabCorp
Classification: Uncertain significance. Last evaluated: 2025-10-15. Review status: criteria provided, single submitter. Criteria: LabCorp Variant Classification Summary - May 2015. Collection method: clinical testing. Allele origin: germline.
Comment: Variant summary: SPTBN2 c.4374G>T (p.Glu1458Asp) results in a conservative amino acid change located in the Spectrin repeat (IPR002017) of the encoded protein sequence. Algorithms developed to predict the effect of missense changes on protein structure and function are either unavailable or do not agree on the potential impact of this missense change. The variant allele was found at a frequency of 0.00018 in 251358 control chromosomes. This frequency is not significantly higher than estimated for disease-causing variants in SPTBN2, allowing no conclusion about variant significance. To our knowledge, no occurrence of c.4374G>T in individuals affected with SPTBN2-related conditions and no experimental evidence demonstrating its impact on protein function have been reported. ClinVar contains an entry for this variant (Variation ID: 805353). Based on the evidence outlined above, the variant was classified as uncertain significance.

Labcorp Genetics (formerly Invitae), Labcorp
Classification: Likely benign. Last evaluated: 2024-10-22. Review status: criteria provided, single submitter. Criteria: Invitae Variant Classification Sherloc (09022015). Collection method: clinical testing. Allele origin: germline.

GeneDx
Classification: Uncertain significance. Last evaluated: 2024-07-23. Review status: criteria provided, single submitter. Criteria: GeneDx Variant Classification Process June 2021. Collection method: clinical testing. Allele origin: germline.
Comment: In silico analysis indicates that this missense variant does not alter protein structure/function; Has not been previously published as pathogenic or benign to our knowledge

Ambry Genetics
Classification: Uncertain significance for Inborn genetic diseases. Last evaluated: 2022-04-22. Review status: criteria provided, single submitter. Criteria: Ambry Variant Classification Scheme 2023. Collection method: clinical testing. Allele origin: germline.

Athena Diagnostics
Classification: Likely benign. Last evaluated: 2018-09-26. Review status: criteria provided, single submitter. Criteria: Athena Diagnostics Criteria. Collection method: clinical testing. Allele origin: germline.

NM_006946.4(SPTBN2):c.4374G>T (p.Glu1458Asp)

Gene: SPTBN2 (spectrin beta, non-erythrocytic 2; minus strand). Cytogenetic location: 11q13.2.
Variant type: single nucleotide variant.
Coding change: c.4374G>T on transcript NM_006946.4 (MANE Select); coding-DNA position 4374, G replaced by T.
Protein change: p.Glu1458Asp; replaces glutamic acid 1458 with aspartic acid.
Molecular consequence: missense variant.
Genome position (GRCh38, 1-based): chr11:66,694,268, C>A on the plus strand (G>T on the coding strand, the complement: SPTBN2 is on the minus strand). VCF-style: chr11-66694268-C-A. GRCh37 (hg19) VCF-style: chr11-66461739-C-A.
Other names: short protein forms E1458D.
Identifiers: ClinVar variation 805353 (VCV000805353.14), dbSNP rs142378119, ClinGen allele CA6128605.